The following is an entry in ClinVar:

ClinVar aggregate classification (germline): Uncertain significance. Review status: criteria provided, multiple submitters, no conflicts (2 of 4 stars). 2 submissions from 2 submitters: Uncertain significance (2). Last evaluated 2025-10-17.

Conditions:
Congenital contractural arachnodactyly (CCA). Also called: BEALS SYNDROME; Beals-Hecht syndrome; Arthrogryposis, distal, type 9. Identifiers: Orphanet 115, MedGen C0220668, MONDO:0007363, OMIM 121050.
Familial thoracic aortic aneurysm and aortic dissection (TAAD). Also called: Thoracic aortic aneurysms and dissections. Identifiers: Orphanet 91387, MedGen C4707243, MONDO:0019625.

Allele frequency attached by ClinVar (database versions not stated): gnomAD exomes below 0.00001 and 0.00001; TOPMed below 0.00001.

Submissions (2):

Ambry Genetics
Classification: Uncertain significance for Familial thoracic aortic aneurysm and aortic dissection. Last evaluated: 2025-10-17. Review status: criteria provided, single submitter. Criteria: Ambry Variant Classification Scheme 2023. Collection method: clinical testing. Allele origin: germline.
Comment: The p.A946S variant (also known as c.2836G>T), located in coding exon 22 of the FBN2 gene, results from a G to T substitution at nucleotide position 2836. The alanine at codon 946 is replaced by serine, an amino acid with similar properties. This amino acid position is not well conserved in available vertebrate species. In addition, this alteration is predicted to be tolerated by in silico analysis. Since supporting evidence is limited at this time, the clinical significance of this alteration remains unclear.

Labcorp Genetics (formerly Invitae), Labcorp
Classification: Uncertain significance for Congenital contractural arachnodactyly. Last evaluated: 2024-09-29. Review status: criteria provided, single submitter. Criteria: Invitae Variant Classification Sherloc (09022015). Collection method: clinical testing. Allele origin: germline.
Comment: This sequence change replaces alanine, which is neutral and non-polar, with serine, which is neutral and polar, at codon 946 of the FBN2 protein (p.Ala946Ser). This variant is present in population databases (no rsID available, gnomAD 0.0009%). This variant has not been reported in the literature in individuals affected with FBN2-related conditions. ClinVar contains an entry for this variant (Variation ID: 263852). Invitae Evidence Modeling of protein sequence and biophysical properties (such as structural, functional, and spatial information, amino acid conservation, physicochemical variation, residue mobility, and thermodynamic stability) indicates that this missense variant is not expected to disrupt FBN2 protein function with a negative predictive value of 80%. In summary, the available evidence is currently insufficient to determine the role of this variant in disease. Therefore, it has been classified as a Variant of Uncertain Significance.

NM_001999.4(FBN2):c.2836G>T (p.Ala946Ser)

Gene: FBN2 (fibrillin 2; minus strand). Cytogenetic location: 5q23.3.
Variant type: single nucleotide variant.
Coding change: c.2836G>T on transcript NM_001999.4 (MANE Select); coding-DNA position 2836, G replaced by T.
Protein change: p.Ala946Ser; replaces alanine 946 with serine.
Molecular consequence: missense variant.
Genome position (GRCh38, 1-based): chr5:128,349,982, C>A on the plus strand (G>T on the coding strand, the complement: FBN2 is on the minus strand). VCF-style: chr5-128349982-C-A. GRCh37 (hg19) VCF-style: chr5-127685674-C-A.
Other names: short protein forms A946S.
Identifiers: ClinVar variation 263852 (VCV000263852.8), dbSNP rs886038950, ClinGen allele CA10587616.